The following is an entry in ClinVar:

ClinVar aggregate classification (germline): Uncertain significance (1 of 4 stars; one submission).

Submission:

CeGaT Center for Human Genetics Tuebingen
Classification: Uncertain significance. Last evaluated: 2026-08-01. Review status: criteria provided, single submitter. Criteria: CeGaT Center For Human Genetics Tuebingen Variant Classification Criteria Version 2. Collection method: clinical testing. Allele origin: germline. Affected: yes. Observed: 1 variant allele.
Comment: ANK3: PM2:Supporting, BP4

NM_020987.5(ANK3):c.12243T>G (p.Thr4081=)

Gene: ANK3 (ankyrin 3; minus strand). Cytogenetic location: 10q21.2.
Variant type: single nucleotide variant.
Coding change: c.12243T>G on transcript NM_020987.5 (MANE Select); coding-DNA position 12243, T replaced by G.
Protein change: p.Thr4081=; no amino-acid change (threonine 4081 retained).
Molecular consequence: synonymous variant. On other transcripts: intron variant (4).
Genome position (GRCh38, 1-based): chr10:60,068,638, A>C on the plus strand (T>G on the coding strand, the complement: ANK3 is on the minus strand). VCF-style: chr10-60068638-A-C. GRCh37 (hg19) VCF-style: chr10-61828396-A-C.
Other names: c.4388-629T>G (NM_001204403.2); c.4409-629T>G (NM_001204404.2); c.4406-629T>G (NM_001320874.2); c.1808-629T>G (NM_001149.4).
Identifiers: ClinVar variation 5040721 (VCV005040721.1).